The following is an entry in ClinVar:

ClinVar aggregate classification (germline): Uncertain significance (1 of 4 stars; one submission).

Submission:

Dasa
Classification: Uncertain significance. Last evaluated: 2024-11-01. Review status: criteria provided, single submitter. Criteria: DASA Assertion Criteria. Collection method: clinical testing. Allele origin: germline.
Comment: NM_005121.3(MED13):c.635G>A (p.Gly212Glu) is a missense variant that results in the substitution of glycine with glutamic acid. This variant is absent from population databases. Computational prediction algorithms are consistent with a deleterious effect. The currently available literature and clinical evidence are not sufficient to establish a definitive association between this variant and the reported condition. Therefore, this variant is classified as a variant of uncertain significance.

NM_005121.3(MED13):c.635G>A (p.Gly212Glu)

Gene: MED13 (mediator complex subunit 13; minus strand). Cytogenetic location: 17q23.2.
Variant type: single nucleotide variant.
Coding change: c.635G>A on transcript NM_005121.3 (MANE Select); coding-DNA position 635, G replaced by A.
Protein change: p.Gly212Glu; replaces glycine 212 with glutamic acid.
Molecular consequence: missense variant.
Genome position (GRCh38, 1-based): chr17:62,033,966, C>T on the plus strand (G>A on the coding strand, the complement: MED13 is on the minus strand). VCF-style: chr17-62033966-C-T. GRCh37 (hg19) VCF-style: chr17-60111327-C-T.
Other names: short protein forms G212E.
Identifiers: ClinVar variation 5021056 (VCV005021056.1).